The following is an entry in ClinVar:

NM_024408.4(NOTCH2):c.984C>T (p.Asn328=)

Gene: NOTCH2 (notch receptor 2; minus strand). Cytogenetic location: 1p12.
Variant type: single nucleotide variant.
Coding change: c.984C>T on transcript NM_024408.4 (MANE Select); coding-DNA position 984, C replaced by T.
Protein change: p.Asn328=; no amino-acid change (asparagine 328 retained).
Molecular consequence: synonymous variant.
Genome position (GRCh38, 1-based): chr1:119,969,635, G>A on the plus strand (C>T on the coding strand, the complement: NOTCH2 is on the minus strand). VCF-style: chr1-119969635-G-A. GRCh37 (hg19) VCF-style: chr1-120512258-G-A.
Other names: c.984C>T, p.Asn328= (NM_001200001.2); c.984C>T (NM_024408.3).
Identifiers: ClinVar variation 2854539 (VCV002854539.4), dbSNP rs187598092, ClinGen allele CA1040637.

ClinVar aggregate classification (germline): Likely benign. Review status: criteria provided, multiple submitters, no conflicts (2 of 4 stars). 2 submissions from 2 submitters: Likely benign (2). Last evaluated 2025-12-17.

Conditions:
NOTCH2-related disorder. Also called: NOTCH2-related condition.
Hajdu-Cheney syndrome (HJCYS). Also called: Acroosteolysis dominant type; SERPENTINE FIBULA-POLYCYSTIC KIDNEY SYNDROME; ACROOSTEOLYSIS WITH OSTEOPOROSIS AND CHANGES IN SKULL AND MANDIBLE. Identifiers: Orphanet 955, MedGen C0917715, MONDO:0007057, OMIM 102500.

Allele frequency attached by ClinVar (database versions not stated): gnomAD 0.00001; gnomAD exomes 0.00001; ExAC 0.00002; TOPMed 0.00007; 1000 Genomes Project 0.00020; 1000 Genomes Project 30x 0.00031.
gnomAD v4.1: 21 of 1,614,082 alleles (0.0013%); highest among the groups gnomAD compares: East Asian, 0.013%; no homozygotes.

Submissions (2):

PreventionGenetics, part of Exact Sciences
Classification: Likely benign for NOTCH2-related condition. Last evaluated: 2025-12-17. Review status: criteria provided, single submitter. Criteria: ACMG Guidelines, 2015. Collection method: clinical testing. Allele origin: germline.
Comment: This variant is classified as likely benign based on ACMG/AMP sequence variant interpretation guidelines (Richards et al. 2015 PMID: 25741868, with internal and published modifications).

Labcorp Genetics (formerly Invitae), Labcorp
Classification: Likely benign for Hajdu-Cheney syndrome. Last evaluated: 2025-11-25. Review status: criteria provided, single submitter. Criteria: Invitae Variant Classification Sherloc (09022015). Collection method: clinical testing. Allele origin: germline.